The following is an entry in ClinVar:

NM_017777.4(MKS1):c.297T>A (p.Cys99Ter)

Gene: MKS1 (MKS transition zone complex subunit 1; minus strand). Cytogenetic location: 17q22.
Variant type: single nucleotide variant.
Coding change: c.297T>A on transcript NM_017777.4 (MANE Select); coding-DNA position 297, T replaced by A.
Protein change: p.Cys99Ter; replaces cysteine 99 with a stop codon.
Molecular consequence: nonsense. On other transcripts: 5 prime UTR variant (1).
Genome position (GRCh38, 1-based): chr17:58,216,208, A>T on the plus strand (T>A on the coding strand, the complement: MKS1 is on the minus strand). VCF-style: chr17-58216208-A-T. GRCh37 (hg19) VCF-style: chr17-56293569-A-T.
Other names: c.-215T>A (NM_001321268.2); c.297T>A, p.Cys99Ter (NM_001321269.2, NM_001330397.2, NM_001411113.1); short protein forms C99*.
Identifiers: ClinVar variation 2944239 (VCV002944239.3), dbSNP rs2509455117, ClinGen allele CA400327589.
Genomic context (GRCh38, chr17:58,216,208, plus strand): 5'-GCCACCCGAATTCTCCAGCTTCAGGATCTCCTGACGGTACTGATAATCCAAAGGACTCTG[A>T]CAGGCTGTTTCATTTTGGTACAGATCTACTTCAAACTGAGGTTACCATAAGGAAACAGAG-3'

ClinVar aggregate classification (germline): Pathogenic (1 of 4 stars; one submission).

Conditions:
Joubert syndrome. Also called: CEREBELLOPARENCHYMAL DISORDER IV; JOUBERT-BOLTSHAUSER SYNDROME; Familial aplasia of the vermis. Identifiers: Orphanet 475, MedGen C5979921, MONDO:0018772.
Meckel-Gruber syndrome. Also called: DYSENCEPHALIA SPLANCHNOCYSTICA; GRUBER SYNDROME; Dysencephalia splachnocystica. Identifiers: Orphanet 564, MedGen C0265215, MONDO:0018921.

Submission:

Labcorp Genetics (formerly Invitae), Labcorp
Classification: Pathogenic for Joubert syndrome; Meckel-Gruber syndrome. Last evaluated: 2023-02-18. Review status: criteria provided, single submitter. Criteria: Invitae Variant Classification Sherloc (09022015). Collection method: clinical testing. Allele origin: germline.
Comment: For these reasons, this variant has been classified as Pathogenic. Algorithms developed to predict the effect of sequence changes on RNA splicing suggest that this variant may create or strengthen a splice site. This variant has not been reported in the literature in individuals affected with MKS1-related conditions. This variant is not present in population databases (gnomAD no frequency). This sequence change creates a premature translational stop signal (p.Cys99*) in the MKS1 gene. It is expected to result in an absent or disrupted protein product. Loss-of-function variants in MKS1 are known to be pathogenic (PMID: 19466712, 24886560, 26490104).

Literature cited by the submitters: PubMed 19466712; PubMed 24886560; PubMed 26490104.